The following is an entry in ClinVar:

ClinVar aggregate classification (germline): Uncertain significance. Review status: criteria provided, multiple submitters, no conflicts (2 of 4 stars). 2 submissions from 2 submitters: Uncertain significance (2). Last evaluated 2019-08-05.

Conditions:
Emery-Dreifuss muscular dystrophy 5, autosomal dominant (EDMD5). Also called: EMERY-DREIFUSS MUSCULAR DYSTROPHY 5. Identifiers: Orphanet 261, MedGen C2751805, MONDO:0013072, OMIM 612999.

Allele frequency attached by ClinVar (database versions not stated): gnomAD exomes 0.00004; ExAC 0.00007; gnomAD 0.00008 and 0.00009; TOPMed 0.00008; ESP Exome Variant Server 0.00025.
gnomAD v4.1: 117 of 1,613,978 alleles (0.0072%); highest among the groups gnomAD compares: Non-Finnish European, 0.0096%; no homozygotes.

Submissions (2):

Revvity Omics, Revvity
Classification: Uncertain significance for Emery-Dreifuss muscular dystrophy 5, autosomal dominant. Last evaluated: 2019-08-05. Review status: criteria provided, single submitter. Criteria: ACMG Guidelines, 2015. Collection method: clinical testing. Allele origin: germline.

Labcorp Genetics (formerly Invitae), Labcorp
Classification: Uncertain significance for Emery-Dreifuss muscular dystrophy 5, autosomal dominant. Last evaluated: 2019-04-25. Review status: criteria provided, single submitter. Criteria: Invitae Variant Classification Sherloc (09022015). Collection method: clinical testing. Allele origin: germline.
Comment: This sequence change replaces methionine with arginine at codon 2019 of the SYNE2 protein (p.Met2019Arg). The methionine residue is weakly conserved and there is a moderate physicochemical difference between methionine and arginine. This variant is present in population databases (rs200404150, ExAC 0.01%). This variant has not been reported in the literature in individuals with SYNE2-related conditions. Algorithms developed to predict the effect of missense changes on protein structure and function are either unavailable or do not agree on the potential impact of this missense change (SIFT: "Deleterious"; PolyPhen-2: "Benign"; Align-GVGD: "Class C0"). In summary, the available evidence is currently insufficient to determine the role of this variant in disease. Therefore, it has been classified as a Variant of Uncertain Significance.

NM_182914.3(SYNE2):c.6056T>G (p.Met2019Arg)

Gene: SYNE2 (spectrin repeat containing nuclear envelope protein 2; plus strand). Cytogenetic location: 14q23.2.
Variant type: single nucleotide variant.
Coding change: c.6056T>G on transcript NM_182914.3 (MANE Select); coding-DNA position 6056, T replaced by G.
Protein change: p.Met2019Arg; replaces methionine 2019 with arginine.
Molecular consequence: missense variant.
Genome position (GRCh38, 1-based): chr14:64,025,225, T>G. VCF-style: chr14-64025225-T-G. GRCh37 (hg19) VCF-style: chr14-64491943-T-G.
Other names: c.6056T>G, p.Met2019Arg (NM_015180.6); short protein forms M2019R.
Identifiers: ClinVar variation 945619 (VCV000945619.12), dbSNP rs200404150, ClinGen allele CA7220615.